The following is an entry in ClinVar:

NM_005026.5(PIK3CD):c.2448C>T (p.Leu816=)

Gene: PIK3CD (phosphatidylinositol-4,5-bisphosphate 3-kinase catalytic subunit delta; plus strand). Cytogenetic location: 1p36.22.
Variant type: single nucleotide variant.
Coding change: c.2448C>T on transcript NM_005026.5 (MANE Select); coding-DNA position 2448, C replaced by T.
Protein change: p.Leu816=; no amino-acid change (leucine 816 retained).
Molecular consequence: synonymous variant.
Genome position (GRCh38, 1-based): chr1:9,723,146, C>T. VCF-style: chr1-9723146-C-T. GRCh37 (hg19) VCF-style: chr1-9783204-C-T.
Other names: c.2445C>T, p.Leu815= (NM_001350234.2); c.2361C>T, p.Leu787= (NM_001350235.1).
Identifiers: ClinVar variation 2164937 (VCV002164937.20), dbSNP rs199819738, ClinGen allele CA577553.

ClinVar aggregate classification (germline): Likely benign. Review status: criteria provided, multiple submitters, no conflicts (2 of 4 stars). 2 submissions from 2 submitters: Likely benign (2). Last evaluated 2024-08-01.

Conditions:
Immunodeficiency 14 (IMD14A). Also called: Activated PI3K Delta Syndrome Type 1 (APDS1); p110-DELTA-ACTIVATING MUTATION CAUSING SENESCENT T CELLS, LYMPHADENOPATHY, AND IMMUNODEFICIENCY; IMMUNODEFICIENCY 14A WITH LYMPHOPROLIFERATION, AUTOSOMAL DOMINANT; ACTIVATED PI3K-DELTA SYNDROME 1. Identifiers: Orphanet 397596, Orphanet 693661, MedGen C5907821, MONDO:0014222, OMIM 615513.

Allele frequency attached by ClinVar (database versions not stated): gnomAD 0.00001; ExAC 0.00003; gnomAD exomes 0.00003; 1000 Genomes Project 0.00020.
gnomAD v4.1: 45 of 1,613,710 alleles (0.0028%); highest among the groups gnomAD compares: South Asian, 0.0033%; no homozygotes.

Submissions (2):

CeGaT Center for Human Genetics Tuebingen
Classification: Likely benign. Last evaluated: 2024-08-01. Review status: criteria provided, single submitter. Criteria: CeGaT Center For Human Genetics Tuebingen Variant Classification Criteria Version 2. Collection method: clinical testing. Allele origin: germline. Affected: yes. Observed: 1 variant allele.
Comment: PIK3CD: BP4, BP7

Labcorp Genetics (formerly Invitae), Labcorp
Classification: Likely benign for Activated PI3K-delta syndrome. Last evaluated: 2024-02-23. Review status: criteria provided, single submitter. Criteria: Invitae Variant Classification Sherloc (09022015). Collection method: clinical testing. Allele origin: germline.